The following is an entry in ClinVar:

NM_005236.3(ERCC4):c.1728A>G (p.Arg576=)

Gene: ERCC4 (ERCC excision repair 4, endonuclease catalytic subunit; plus strand). Cytogenetic location: 16p13.12.
Variant type: single nucleotide variant.
Coding change: c.1728A>G on transcript NM_005236.3 (MANE Select); coding-DNA position 1728, A replaced by G.
Protein change: p.Arg576=; no amino-acid change (arginine 576 retained).
Molecular consequence: synonymous variant.
Genome position (GRCh38, 1-based): chr16:13,935,660, A>G. VCF-style: chr16-13935660-A-G. GRCh37 (hg19) VCF-style: chr16-14029517-A-G.
Identifiers: ClinVar variation 4783922 (VCV004783922.1).

ClinVar aggregate classification (germline): Uncertain significance (1 of 4 stars; one submission).

Conditions:
Xeroderma pigmentosum, group F (XPF). Also called: ERCC4-Related Xeroderma Pigmentosum; XERODERMA PIGMENTOSUM, COMPLEMENTATION GROUP F; XERODERMA PIGMENTOSUM, TYPE F; Xeroderma pigmentosum, type 6; XERODERMA PIGMENTOSUM VI; XP, GROUP F. Identifiers: MedGen C0268140, MONDO:0010215, OMIM 278760.
Cockayne syndrome. Identifiers: Orphanet 191, MedGen C0009207, MONDO:0016006.
Fanconi anemia complementation group Q. Identifiers: Orphanet 84, MedGen C3808988, MONDO:0014108, OMIM 615272.

Submission:

Labcorp Genetics (formerly Invitae), Labcorp
Classification: Uncertain significance for Fanconi anemia complementation group Q; Xeroderma pigmentosum, group F; Cockayne syndrome. Last evaluated: 2025-02-12. Review status: criteria provided, single submitter. Criteria: Invitae Variant Classification Sherloc (09022015). Collection method: clinical testing. Allele origin: germline.
Comment: This sequence change affects codon 576 of the ERCC4 mRNA. It is a 'silent' change, meaning that it does not change the encoded amino acid sequence of the ERCC4 protein. This variant is present in population databases (rs765454246, gnomAD 0.0009%). This variant has not been reported in the literature in individuals affected with ERCC4-related conditions. Algorithms developed to predict the effect of sequence changes on RNA splicing suggest that this variant may disrupt the consensus splice site. In summary, the available evidence is currently insufficient to determine the role of this variant in disease. Therefore, it has been classified as a Variant of Uncertain Significance.